The following continues an entry in ClinVar:

NM_000492.4(CFTR):c.3528del (p.Lys1177fs)

ClinVar aggregate classification (germline): Pathogenic. Pathogenic (1).

Submissions 13 to 29 of 29:

Baylor Genetics
Classification: Pathogenic for Bronchiectasis with or without elevated sweat chloride 1. Last evaluated: 2024-03-30. Review status: criteria provided, single submitter. Criteria: ACMG Guidelines, 2015. Collection method: clinical testing. Allele origin: unknown. Not counted in ClinVar's aggregate classification.

Blueprint Genetics
Classification: Pathogenic for CFTR-related disorders. Last evaluated: 2023-10-25. Review status: criteria provided, single submitter. Criteria: ACMG Guidelines, 2015. Collection method: clinical testing. Allele origin: germline. Affected: yes. Observed: 5 variant alleles. Not counted in ClinVar's aggregate classification.

Clinical Genetics Laboratory, Skane University Hospital Lund
Classification: Pathogenic. Last evaluated: 2023-10-02. Review status: criteria provided, single submitter. Criteria: ACMG Guidelines, 2015. Collection method: clinical testing. Allele origin: germline. Affected: yes. Not counted in ClinVar's aggregate classification.

ARUP Laboratories, Molecular Genetics and Genomics, ARUP Laboratories
Classification: Pathogenic. Last evaluated: 2023-07-31. Review status: criteria provided, single submitter. Criteria: ARUP Molecular Germline Variant Investigation Process 2024. Collection method: clinical testing. Allele origin: germline. Not counted in ClinVar's aggregate classification.
Comment: The CFTR c.3528del, p.Lys1177SerfsTer15 variant (rs78984783), also known as 3659delC, is reported in the literature in numerous individuals affected with cystic fibrosis and is often associated with pancreatic insufficiency (Kerem 1990, Sosnay 2013, CFTR2 database). The variant is listed in ClinVar (Variation ID: 35868), and observed in the general population at a frequency of 0.016% (44/282148 alleles) in the Genome Aggregation Database. This variant causes a frameshift by deleting a single nucleotide, so it is predicted to result in a truncated protein or mRNA subject to nonsense-mediated decay. Based available information, this variant is considered to be pathogenic. References: Link to CFTR2 database: Kerem B et al. Identification of mutations in regions corresponding to the two putative nucleotide (ATP)-binding folds of the cystic fibrosis gene. Proc Natl Acad Sci U S A. 1990; 87(21):8447-51. PMID: 2236053. Sosnay PR et al. Defining the disease liability of variants in the cystic fibrosis transmembrane conductance regulator gene. Nat Genet. 2013; 45(10):1160-7. PMID: 23974870.

Johns Hopkins Genomics, Johns Hopkins University
Classification: Pathogenic for Cystic fibrosis. Last evaluated: 2020-12-08. Review status: criteria provided, single submitter. Criteria: ACMG Guidelines, 2015. Collection method: clinical testing. Allele origin: germline. Not counted in ClinVar's aggregate classification.
Comment: Disease-causing CFTR variant. See CFTR2 for phenotype information.

Laboratory for Molecular Medicine, Mass General Brigham Personalized Medicine
Classification: Pathogenic for Cystic fibrosis. Last evaluated: 2020-06-05. Review status: criteria provided, single submitter. Criteria: LMM Criteria. Collection method: clinical testing. Allele origin: germline. Inheritance: Autosomal recessive inheritance. Observed: 1 variant allele. Not counted in ClinVar's aggregate classification.
Comment: The p.Lys1117SerfsX15 variant in CFTR (c.3528delC, also reported in the past as c.3659delC) is a well-established pathogenic variant in individuals with cystic fibrosis and is often associated with pancreatic insufficiency. It was classified as pathogenic on Mar 17, 2017 by the ClinGen-approved CFTR2 expert panel and is included in the ACMG Technical Standards and Guidelines for CFTR Mutation Testing (ClinVar Variation ID 35868) (Kerem 1990 PMID:2236053, Grody 2001 PMID:11280952, Sosnay 2013 PMID:23974870, Ooi 2012 PMID: 22658665). It has also been identified in 0.028% (36/128698) of European chromosomes by gnomAD. This variant is predicted to cause a frameshift, which alters the proteinâ€™s amino acid sequence beginning at position 1117 and leads to a premature termination codon 15 amino acids downstream. This alteration is then predicted to lead to a truncated or absent protein. Loss of function of the CFTR gene is an established disease mechanism in autosomal recessive cystic fibrosis and other CFTR-related disorders. In summary, this variant meets criteria to be classified as pathogenic for autosomal recessive CFTR-related disorders. ACMG/AMP Criteria applied: PVS1, PM3_Strong, PM2_Supporting.

Genome Diagnostics Laboratory, The Hospital for Sick Children
Classification: Pathogenic for Cystic fibrosis. Last evaluated: 2020-03-08. Review status: criteria provided, single submitter. Criteria: ACMG Guidelines, 2015. Collection method: clinical testing. Allele origin: germline. Not counted in ClinVar's aggregate classification.

Myriad Genetics, Inc.
Classification: Pathogenic for Cystic fibrosis. Last evaluated: 2019-11-12. Review status: criteria provided, single submitter. Criteria: Myriad Women's Health Autosomal Recessive and X-Linked Classification Criteria (2019). Collection method: clinical testing. Allele origin: unknown. Not counted in ClinVar's aggregate classification.
Comment: NM_000492.3(CFTR):c.3528delC(K1177Sfs*15, aka 3659delC) is classified as pathogenic in the context of cystic fibrosis and is associated with the classic form of this disease. Sources cited for classification include the following: PMID 23974870. Classification of NM_000492.3(CFTR):c.3528delC(K1177Sfs*15, aka 3659delC) is based on the following criteria: The variant causes a premature termination codon that is expected to be targeted by nonsense-mediated mRNA decay and is reported in individuals with the relevant phenotype. Please note: this variant was assessed in the context of healthy population screening.

Mendelics
Classification: Pathogenic for Cystic fibrosis. Last evaluated: 2018-11-05. Review status: criteria provided, single submitter. Criteria: Mendelics Assertion Criteria 2017. Collection method: clinical testing. Allele origin: unknown. Affected: yes. Not counted in ClinVar's aggregate classification.

CFTR-France
Classification: Pathogenic for cystic fibrosis. Last evaluated: 2018-01-29. Review status: criteria provided, single submitter. Criteria: Claustres M et al. (Hum Mutat 2017). Collection method: curation. Allele origin: germline. Affected: yes. Not counted in ClinVar's aggregate classification.

Eurofins Ntd Llc (ga)
Classification: Pathogenic. Last evaluated: 2017-03-13. Review status: criteria provided, single submitter. Criteria: EGL Classification Definitions 2015. Collection method: clinical testing. Allele origin: germline. Observed: 1 variant allele, 1 heterozygote. Not counted in ClinVar's aggregate classification.

Baylor Genetics
Classification: Pathogenic for Congenital bilateral aplasia of vas deferens from CFTR mutation; Cystic fibrosis. Review status: criteria provided, single submitter. Criteria: ACMG Guidelines, 2015. Collection method: clinical testing. Allele origin: germline. Not counted in ClinVar's aggregate classification.

Genome Diagnostics Laboratory, The Hospital for Sick Children
Classification: Pathogenic for CFTR-related disorders. Last evaluated: 2020-03-08. Review status: no assertion criteria provided. Collection method: clinical testing. Allele origin: germline. Not counted in ClinVar's aggregate classification.

Women's Health and Genetics/Laboratory Corporation of America, LabCorp
Classification: Pathogenic for Cystic Fibrosis. Last evaluated: 2015-04-03. Review status: no assertion criteria provided. Collection method: clinical testing. Allele origin: germline. Not counted in ClinVar's aggregate classification.

Clinical Genetics DNA and cytogenetics Diagnostics Lab, Erasmus MC, Erasmus Medical Center
Classification: Pathogenic. Review status: no assertion criteria provided. Collection method: clinical testing. Allele origin: germline. Affected: yes. Study: VKGL Data-share Consensus. Not counted in ClinVar's aggregate classification.

Diagnostic Laboratory, Department of Genetics, University Medical Center Groningen
Classification: Pathogenic. Review status: no assertion criteria provided. Collection method: clinical testing. Allele origin: germline. Affected: yes. Study: VKGL Data-share Consensus. Not counted in ClinVar's aggregate classification.

GeneReviews
No classification provided. Condition: Cystic fibrosis. Review status: no classification provided. Collection method: literature only. Allele origin: unknown. Not counted in ClinVar's aggregate classification.

Literature cited by the submitters: PMC 3110945 (cited by American College of Medical Genetics and Genomics  (ACMG)); PubMed 27158673 (cited by Dasa and Ambry Genetics); PubMed 2236053 (cited by 3 submitters); PubMed 15371902 (cited by 3 submitters); PubMed 1695717 (cited by Labcorp Genetics (formerly Invitae), Labcorp); PubMed 7691345 (cited by Labcorp Genetics (formerly Invitae), Labcorp); PubMed 9725922 (cited by Labcorp Genetics (formerly Invitae), Labcorp); PubMed 23974870 (cited by 3 submitters); PubMed 36437230 (cited by Natera, Inc.); PubMed 21354377 (cited by Natera, Inc.); PubMed 23276700 (cited by Ambry Genetics); PubMed 24586523 (cited by Ambry Genetics); PubMed 24440181 (cited by Laboratory for Molecular Medicine, Mass General Brigham Personalized Medicine); PubMed 22658665 (cited by Laboratory for Molecular Medicine, Mass General Brigham Personalized Medicine); PubMed 11280952 (cited by Laboratory for Molecular Medicine, Mass General Brigham Personalized Medicine); PubMed 23751316 (cited by Laboratory for Molecular Medicine, Mass General Brigham Personalized Medicine); PubMed 28603918 (cited by Laboratory for Molecular Medicine, Mass General Brigham Personalized Medicine); PubMed 18456578 (cited by Laboratory for Molecular Medicine, Mass General Brigham Personalized Medicine); PubMed 20301428 (cited by GeneReviews).